The following is an entry in ClinVar:

NM_000352.6(ABCC8):c.1818-7del

Gene: ABCC8 (ATP binding cassette subfamily C member 8; minus strand). Cytogenetic location: 11p15.1.
Variant type: Deletion.
Coding change: c.1818-7del on transcript NM_000352.6 (MANE Select); 7 bases into the intron before coding-DNA position 1818, one base deleted (C; older notation c.1818-7delC).
Molecular consequence: intron variant.
Genome position (GRCh38, 1-based): chr11:17,428,677, G deleted on the plus strand (C on the coding strand, the reverse complement: ABCC8 is on the minus strand); the first of 3 consecutive G bases (chr11:17,428,677-17,428,679); deleting any one gives the same sequence. VCF-style (leftmost placement, unchanged base first): chr11-17428676-CG-C. GRCh37 (hg19) VCF-style: chr11-17450223-CG-C.
Other names: c.1815-7del (NM_001351297.2, NM_001351296.2); c.1818-7del (NM_001351295.2, NM_001287174.3).
Identifiers: ClinVar variation 994763 (VCV000994763.12), dbSNP rs1955709311, ClinGen allele CA1139661842.

ClinVar aggregate classification (germline): Conflicting classifications of pathogenicity. Review status: criteria provided, conflicting classifications (1 of 4 stars). 4 submissions from 3 submitters: Uncertain significance (3); Likely benign (1). Last evaluated 2023-09-15.

Conditions:
Transitory neonatal diabetes mellitus. Also called: Transient neonatal diabetes mellitus. Identifiers: MedGen C0342273, MONDO:0020525, HP:0008255.
Maturity-onset diabetes of the young (MODY). Also called: Maturity onset diabetes mellitus in young. Identifiers: Orphanet 552, MedGen C0342276, MONDO:0018911, HP:0004904.

Submissions (4):

Labcorp Genetics (formerly Invitae), Labcorp
Classification: Likely benign. Last evaluated: 2023-09-15. Review status: criteria provided, single submitter. Criteria: Invitae Variant Classification Sherloc (09022015). Collection method: clinical testing. Allele origin: germline.

Athena Diagnostics
Classification: Uncertain significance. Last evaluated: 2020-08-19. Review status: criteria provided, single submitter. Criteria: Athena Diagnostics Criteria. Collection method: clinical testing. Allele origin: unknown.

Clinical Genomics, Uppaluri K&H Personalized Medicine Clinic
Classification: Uncertain significance for Maturity-onset diabetes of the young. Review status: criteria provided, single submitter. Criteria: K & H Uppaluri Personalized Medicine Clinic Variant Classification & Assertion Criteria_Updated V.1. Collection method: research. Allele origin: unknown. Inheritance: Somatic mutation.
Comment: Mutations in ABCC8 gene are associated with both neonatal diabetes mellitus as well as MODY. Patients with this mutation may have a better response to sulfonylureas. However, no sufficient evidence is found to ascertain the role of this particular variant ( rs1955709311) in MODY yet.

Clinical Genomics, Uppaluri K&H Personalized Medicine Clinic
Classification: Uncertain significance for Transitory neonatal diabetes mellitus. Review status: criteria provided, single submitter. Criteria: K & H Uppaluri Personalized Medicine Clinic Variant Classification & Assertion Criteria_Updated V.1. Collection method: research. Allele origin: unknown. Inheritance: Somatic mutation.
Comment: Mutations in ABCC8 gene are associated with both neonatal diabetes mellitus as well as MODY. Patients with this mutation may have a better response to sulfonylureas. However, no sufficient evidence is found to ascertain the role of this particular variant ( rs1955709311) in neonatal diabetes yet.

Literature cited by the submitters: PubMed 16885549 (cited by Clinical Genomics, Uppaluri K&H Personalized Medicine Clinic); PubMed 21989597 (cited by Clinical Genomics, Uppaluri K&H Personalized Medicine Clinic); PubMed 27538677 (cited by Clinical Genomics, Uppaluri K&H Personalized Medicine Clinic); PubMed 18981553 (cited by Clinical Genomics, Uppaluri K&H Personalized Medicine Clinic); PubMed 32027066 (cited by Clinical Genomics, Uppaluri K&H Personalized Medicine Clinic); PubMed 16613899 (cited by Clinical Genomics, Uppaluri K&H Personalized Medicine Clinic); PubMed 18025408 (cited by Clinical Genomics, Uppaluri K&H Personalized Medicine Clinic); PubMed 32792356 (cited by Clinical Genomics, Uppaluri K&H Personalized Medicine Clinic).